The following is an entry in ClinVar:

ClinVar aggregate classification (germline): Conflicting classifications of pathogenicity. Review status: criteria provided, conflicting classifications (1 of 4 stars). 4 submissions from 4 submitters: Uncertain significance (3); Likely benign (1). Last evaluated 2025-11-21.

Conditions:
Neutropenia, severe congenital, 1, autosomal dominant. Identifiers: MedGen C1859966, MONDO:0042490, OMIM 202700.
Cyclical neutropenia. Also called: Cyclic hematopoiesis; Cyclic Neutropenia. Identifiers: Orphanet 2686, MedGen C0221023, MONDO:0008090, OMIM 162800, HP:0040289. Disease mechanism: loss of function.
Inborn genetic diseases. Identifiers: MedGen C0950123, MeSH D030342.

Allele frequency attached by ClinVar (database versions not stated): ExAC 0.00002; gnomAD exomes 0.00002; TOPMed 0.00005; gnomAD 0.00010.
gnomAD v4.1: 42 of 1,610,998 alleles (0.0026%); highest among the groups gnomAD compares: African/African-American, 0.045%; no homozygotes.

Submissions (4):

Labcorp Genetics (formerly Invitae), Labcorp
Classification: Uncertain significance for Neutropenia, severe congenital, 1, autosomal dominant; Cyclical neutropenia. Last evaluated: 2025-11-21. Review status: criteria provided, single submitter. Criteria: Invitae Variant Classification Sherloc (09022015). Collection method: clinical testing. Allele origin: germline.
Comment: This sequence change replaces alanine, which is neutral and non-polar, with valine, which is neutral and non-polar, at codon 8 of the ELANE protein (p.Ala8Val). The frequency data for this variant in the population databases is considered unreliable, as metrics indicate poor data quality at this position in the gnomAD database. This variant has not been reported in the literature in individuals affected with ELANE-related conditions. ClinVar contains an entry for this variant (Variation ID: 242276). Invitae Evidence Modeling of protein sequence and biophysical properties (such as structural, functional, and spatial information, amino acid conservation, physicochemical variation, residue mobility, and thermodynamic stability) indicates that this missense variant is not expected to disrupt ELANE protein function with a negative predictive value of 95%. In summary, the available evidence is currently insufficient to determine the role of this variant in disease. Therefore, it has been classified as a Variant of Uncertain Significance.

Ambry Genetics
Classification: Likely benign for Inborn genetic diseases. Last evaluated: 2024-11-17. Review status: criteria provided, single submitter. Criteria: Ambry Variant Classification Scheme 2023. Collection method: clinical testing. Allele origin: germline.

ARUP Laboratories, Molecular Genetics and Genomics, ARUP Laboratories
Classification: Uncertain significance. Last evaluated: 2020-06-08. Review status: criteria provided, single submitter. Criteria: ARUP Molecular Germline Variant Investigation Process. Collection method: clinical testing. Allele origin: germline.
Comment: The ELANE c.23C>T; p.Ala8Val variant (rs201961347), to our knowledge, is not reported in the medical literature or gene specific databases. The variant is listed in the ClinVar database (Variation ID: 242276) and is found in the African population with an allele frequency of 0.02% (5/24,484 alleles) in the Genome Aggregation Database. The alanine at codon 8 is weakly conserved, but computational analyses (SIFT: Damaging, PolyPhen-2: Benign) predict conflicting effects of this variant on protein structure/function. Due to limited information, the clinical significance of the p.Ala8Val variant is uncertain at this time.

GeneDx
Classification: Uncertain significance. Last evaluated: 2015-07-23. Review status: criteria provided, single submitter. Criteria: GeneDx Variant Classification (06012015). Collection method: clinical testing. Allele origin: germline. Affected: yes.
Comment: The A8V variant has not been published as a mutation, nor has it been reported as a benign polymorphism to our knowledge. The A8V variant was not observed in approximately 6,500 individuals of European and African American ancestry in the NHLBI Exome Sequencing Project, indicating it is not a common benign variant in these populations. The A8V variant is a conservative amino acid substitution, which is not likely to impact secondary protein structure as these residues share similar properties. This substitution occurs at a position that is not conserved. In silico analysis predicts this variant likely does not alter the protein structure/function. Therefore, based on the currently available information, it is unclear whether this variant is a pathogenic mutation or a rare benign variant.

NM_001972.4(ELANE):c.23C>T (p.Ala8Val)

Gene: ELANE (elastase, neutrophil expressed; plus strand). Cytogenetic location: 19p13.3.
Variant type: single nucleotide variant.
Coding change: c.23C>T on transcript NM_001972.4 (MANE Select); coding-DNA position 23, C replaced by T.
Protein change: p.Ala8Val; replaces alanine 8 with valine.
Molecular consequence: missense variant.
Genome position (GRCh38, 1-based): chr19:852,351, C>T. VCF-style: chr19-852351-C-T. GRCh37 (hg19) VCF-style: chr19-852351-C-T.
Other names: c.23C>T (LRG_57t1); short protein forms A8V.
Identifiers: ClinVar variation 242276 (VCV000242276.16), dbSNP rs201961347, ClinGen allele CA9025901.
Genomic context (GRCh38, chr19:852,351, plus strand): 5'-GCACGGAGGGGCAGAGACCCCGGAGCCCCAGCCCCACCATGACCCTCGGCCGCCGACTCG[C>T]GTGTCTTTTCCTCGCCTGTGTCCTGCCGGCCTTGCTGCTGGGGGGTGAGTTTTTGAGTCC-3'
Protein context (NP_001963.1, residues 1-18): MTLGRRL[Ala8Val]CLFLACVLPA